The following is an entry in ClinVar:

ClinVar aggregate classification (germline): Uncertain significance (1 of 4 stars; one submission).

Allele frequency attached by ClinVar (database versions not stated): gnomAD exomes below 0.00001; ExAC 0.00001; gnomAD 0.00001; TOPMed 0.00001; ESP Exome Variant Server 0.00008.
gnomAD v4.1: 5 of 1,612,460 alleles (0.00031%); highest among the groups gnomAD compares: Non-Finnish European, 0.00042%; no homozygotes.

Submission:

Labcorp Genetics (formerly Invitae), Labcorp
Classification: Uncertain significance. Last evaluated: 2023-10-13. Review status: criteria provided, single submitter. Criteria: Invitae Variant Classification Sherloc (09022015). Collection method: clinical testing. Allele origin: germline.
Comment: This sequence change replaces leucine, which is neutral and non-polar, with proline, which is neutral and non-polar, at codon 2091 of the VPS13A protein (p.Leu2091Pro). This variant is present in population databases (rs373904231, gnomAD 0.002%). This variant has not been reported in the literature in individuals affected with VPS13A-related conditions. Advanced modeling of protein sequence and biophysical properties (such as structural, functional, and spatial information, amino acid conservation, physicochemical variation, residue mobility, and thermodynamic stability) performed at Invitae indicates that this missense variant is expected to disrupt VPS13A protein function. In summary, the available evidence is currently insufficient to determine the role of this variant in disease. Therefore, it has been classified as a Variant of Uncertain Significance.

NM_033305.3(VPS13A):c.6272T>C (p.Leu2091Pro)

Gene: VPS13A (vacuolar protein sorting 13 homolog A; plus strand). Cytogenetic location: 9q21.2.
Variant type: single nucleotide variant.
Coding change: c.6272T>C on transcript NM_033305.3 (MANE Select); coding-DNA position 6272, T replaced by C.
Protein change: p.Leu2091Pro; replaces leucine 2091 with proline.
Molecular consequence: missense variant.
Genome position (GRCh38, 1-based): chr9:77,337,431, T>C. VCF-style: chr9-77337431-T-C. GRCh37 (hg19) VCF-style: chr9-79952347-T-C.
Other names: c.6155T>C, p.Leu2052Pro (NM_001018037.2); c.6272T>C, p.Leu2091Pro (NM_001018038.3, NM_015186.4); short protein forms L2052P, L2091P.
Identifiers: ClinVar variation 2738305 (VCV002738305.3), dbSNP rs373904231, ClinGen allele CA5092978.
Genomic context (GRCh38, chr9:77,337,431, plus strand): 5'-ACCCTTCTAAGGAATCATTTCTCATTAATATTGTTCCAGAAAAAGATAATTTAACATCTC[T>C]ATCAGTGTATTCAGAAGATGGTTGGGATTTACCATACATAATGCATTTGTGGCCACCTAT-3'
Protein context (NP_150648.2, residues 2081-2101): IVPEKDNLTS[Leu2091Pro]SVYSEDGWDL